The following is an entry in ClinVar:

NM_033343.4(LHX4):c.1112A>C (p.Tyr371Ser)

Genes: ACBD6 (acyl-CoA binding domain containing 6; minus strand), LHX4 (LIM homeobox 4; plus strand), LHX4-AS1 (LHX4 antisense RNA 1; minus strand). Cytogenetic location: 1q25.2.
Variant type: single nucleotide variant.
Coding change: c.1112A>C on transcript NM_033343.4 (MANE Select); coding-DNA position 1112, A replaced by C.
Protein change: p.Tyr371Ser; replaces tyrosine 371 with serine.
Molecular consequence: missense variant.
Genome position (GRCh38, 1-based): chr1:180,274,518, A>C. VCF-style: chr1-180274518-A-C. GRCh37 (hg19) VCF-style: chr1-180243653-A-C.
Other names: short protein forms Y371S.
Identifiers: ClinVar variation 3290623 (VCV003290623.1).

ClinVar aggregate classification (germline): Uncertain significance (1 of 4 stars; one submission).

Conditions:
Inborn genetic diseases. Identifiers: MedGen C0950123, MeSH D030342.

Submission:

Ambry Genetics
Classification: Uncertain significance for Inborn genetic diseases. Last evaluated: 2024-03-28. Review status: criteria provided, single submitter. Criteria: Ambry Variant Classification Scheme 2023. Collection method: clinical testing. Allele origin: germline.
Comment: The c.1112A>C (p.Y371S) alteration is located in exon 6 (coding exon 6) of the LHX4 gene. This alteration results from a A to C substitution at nucleotide position 1112, causing the tyrosine (Y) at amino acid position 371 to be replaced by a serine (S). This variant was not reported in population-based cohorts in the Genome Aggregation Database (gnomAD). This amino acid position is highly conserved in available vertebrate species. This alteration is predicted to be deleterious by in silico analysis. Based on insufficient or conflicting evidence, the clinical significance of this alteration remains unclear.